The following is an entry in ClinVar:

ClinVar aggregate classification (germline): Uncertain significance (1 of 4 stars; one submission).

Conditions:
Congenital muscular dystrophy due to integrin alpha-7 deficiency. Also called: Congenital muscular dystrophy with integrin alpha-7 deficiency; Muscular dystrophy, congenital, due to ITGA7 deficiency; MYOPATHY, CONGENITAL, DUE TO INTEGRIN ALPHA-7 DEFICIENCY. Identifiers: Orphanet 34520, MedGen C2750786, MONDO:0013177, OMIM 613204.

Submission:

Labcorp Genetics (formerly Invitae), Labcorp
Classification: Uncertain significance for Congenital muscular dystrophy due to integrin alpha-7 deficiency. Last evaluated: 2022-08-15. Review status: criteria provided, single submitter. Criteria: Invitae Variant Classification Sherloc (09022015). Collection method: clinical testing. Allele origin: germline.
Comment: In summary, the available evidence is currently insufficient to determine the role of this variant in disease. Therefore, it has been classified as a Variant of Uncertain Significance. This variant has not been reported in the literature in individuals affected with ITGA7-related conditions. A copy number gain of the genomic region encompassing the full coding sequence of the ITGA7 gene has been identified. The boundaries of this event are unknown as they extend beyond the assayed region for this gene and therefore may encompass additional genes. As the precise location of this event is unknown, it may be in tandem or it may be located elsewhere in the genome.

NC_000012.12:g.(?_55685048)_(55707692_?)dup

Gene: ITGA7 (integrin subunit alpha 7; minus strand). Cytogenetic location: 12q13.2.
Variant type: Duplication.
Identifiers: ClinVar variation 832932 (VCV000832932.6).